The following is an entry in ClinVar:

NM_003738.5(PTCH2):c.2671G>A (p.Asp891Asn)

Gene: PTCH2 (patched 2; minus strand). Cytogenetic location: 1p34.1.
Variant type: single nucleotide variant.
Coding change: c.2671G>A on transcript NM_003738.5 (MANE Select); coding-DNA position 2671, G replaced by A.
Protein change: p.Asp891Asn; replaces aspartic acid 891 with asparagine.
Molecular consequence: missense variant.
Genome position (GRCh38, 1-based): chr1:44,826,926, C>T on the plus strand (G>A on the coding strand, the complement: PTCH2 is on the minus strand). VCF-style: chr1-44826926-C-T. GRCh37 (hg19) VCF-style: chr1-45292598-C-T.
Other names: c.2671G>A, p.Asp891Asn (NM_001166292.2); short protein forms D891N.
Identifiers: ClinVar variation 1933906 (VCV001933906.5), dbSNP rs373037330, ClinGen allele CA21743918.

ClinVar aggregate classification (germline): Uncertain significance (1 of 4 stars; one submission).

Conditions:
Gorlin syndrome. Also called: Nevoid Basal Cell Carcinoma Syndrome; Basal cell nevus syndrome. Identifiers: Orphanet 377, MedGen C0004779, MONDO:0007187.

Allele frequency attached by ClinVar (database versions not stated): gnomAD 0.00001; gnomAD exomes 0.00001; TOPMed 0.00001; ESP Exome Variant Server 0.00008.
gnomAD v4.1: 8 of 1,613,840 alleles (0.0005%); highest among the groups gnomAD compares: South Asian, 0.0022%; no homozygotes.

Submission:

Labcorp Genetics (formerly Invitae), Labcorp
Classification: Uncertain significance for Gorlin syndrome. Last evaluated: 2024-09-05. Review status: criteria provided, single submitter. Criteria: Invitae Variant Classification Sherloc (09022015). Collection method: clinical testing. Allele origin: germline.
Comment: This sequence change replaces aspartic acid, which is acidic and polar, with asparagine, which is neutral and polar, at codon 891 of the PTCH2 protein (p.Asp891Asn). This variant is not present in population databases (gnomAD no frequency). This variant has not been reported in the literature in individuals affected with PTCH2-related conditions. ClinVar contains an entry for this variant (Variation ID: 1933906). Invitae Evidence Modeling of protein sequence and biophysical properties (such as structural, functional, and spatial information, amino acid conservation, physicochemical variation, residue mobility, and thermodynamic stability) indicates that this missense variant is not expected to disrupt PTCH2 protein function with a negative predictive value of 80%. In summary, the available evidence is currently insufficient to determine the role of this variant in disease. Therefore, it has been classified as a Variant of Uncertain Significance.